The following is an entry in ClinVar:

NM_003748.4(ALDH4A1):c.72del (p.Arg23_Trp24insTer)

Gene: ALDH4A1 (aldehyde dehydrogenase 4 family member A1; minus strand). Cytogenetic location: 1p36.13.
Variant type: Deletion.
Coding change: c.72del on transcript NM_003748.4 (MANE Select); coding-DNA position 72, one base deleted (G; older notation c.72delG).
Protein change: p.Arg23_Trp24insTer.
Molecular consequence: nonsense. On other transcripts: 5 prime UTR variant (1).
Genome position (GRCh38, 1-based): chr1:18,890,096, C deleted on the plus strand (G on the coding strand, the reverse complement: ALDH4A1 is on the minus strand); the first of 2 consecutive C bases (chr1:18,890,096-18,890,097); deleting either gives the same sequence. VCF-style (leftmost placement, unchanged base first): chr1-18890095-TC-T. GRCh37 (hg19) VCF-style: chr1-19216589-TC-T.
Other names: c.-109del (NM_001161504.2); c.72del, p.Arg23_Trp24insTer (NM_001319218.2, NM_170726.3).
Identifiers: ClinVar variation 1526027 (VCV001526027.1), dbSNP rs2100593635, ClinGen allele CA2573130793.

ClinVar aggregate classification (germline): Pathogenic (1 of 4 stars; one submission).

Conditions:
Hyperprolinemia type 2 (HYRPRO2). Also called: Deficiency of pyrroline-5-carboxylate reductase; Delta-1-pyrroline-5-carboxylate dehydrogenase deficiency; 1-PYRROLINE-5-CARBOXYLATE DEHYDROGENASE DEFICIENCY. Identifiers: Orphanet 79101, MedGen C2931835, MONDO:0009401, OMIM 239510.

Submission:

3billion
Classification: Pathogenic for Hyperprolinemia type 2. Last evaluated: 2022-03-22. Review status: criteria provided, single submitter. Criteria: ACMG Guidelines, 2015. Collection method: clinical testing. Allele origin: germline. Affected: yes. Observed: 1 homozygote.
Comment: Frameshift: predicted to result in a loss or disruption of normal protein function through nonsense-mediated decay (NMD) or protein truncation. Multiple pathogenic variants are reported downstream of the variant.It is not observed in the gnomAD v2.1.1 dataset. Therefore, this variant is classified as pathogenic according to the recommendation of ACMG/AMP guideline.